The following is an entry in ClinVar:

NM_000260.4(MYO7A):c.5029C>T (p.Pro1677Ser)

Gene: MYO7A (myosin VIIA; plus strand). Cytogenetic location: 11q13.5.
Variant type: single nucleotide variant.
Coding change: c.5029C>T on transcript NM_000260.4 (MANE Select); coding-DNA position 5029, C replaced by T.
Protein change: p.Pro1677Ser; replaces proline 1677 with serine.
Molecular consequence: missense variant.
Genome position (GRCh38, 1-based): chr11:77,201,624, C>T. VCF-style: chr11-77201624-C-T. GRCh37 (hg19) VCF-style: chr11-76912669-C-T.
Other names: c.4915C>T, p.Pro1639Ser (NM_001127180.2); c.4882C>T, p.Pro1628Ser (NM_001369365.1); short protein forms P1639S, P1677S, P1628S.
Identifiers: ClinVar variation 833697 (VCV000833697.22), dbSNP rs535102352, ClinGen allele CA6198595.

ClinVar aggregate classification (germline): Conflicting classifications of pathogenicity. Review status: criteria provided, conflicting classifications (1 of 4 stars). 6 submissions from 6 submitters: Uncertain significance (2); Likely benign (2). 2 of the submissions do not count toward it. Last evaluated 2025-11-28.

Conditions:
Usher syndrome type 1B (USH1B). Also called: Usher syndrome type IB. Identifiers: MedGen C1848638, MONDO:0700087.
MYO7A-related disorder. Also called: MYO7A-related disorders.

Allele frequency attached by ClinVar (database versions not stated): gnomAD 0.00001; TOPMed 0.00021.
gnomAD v4.1: 69 of 1,613,264 alleles (0.0043%); highest among the groups gnomAD compares: Admixed American, 0.11%; no homozygotes.

Submissions (6):

Labcorp Genetics (formerly Invitae), Labcorp
Classification: Likely benign. Last evaluated: 2025-11-28. Review status: criteria provided, single submitter. Criteria: Invitae Variant Classification Sherloc (09022015). Collection method: clinical testing. Allele origin: germline.

Women's Health and Genetics/Laboratory Corporation of America, LabCorp
Classification: Uncertain significance. Last evaluated: 2023-01-20. Review status: criteria provided, single submitter. Criteria: LabCorp Variant Classification Summary - May 2015. Collection method: clinical testing. Allele origin: germline.
Comment: Variant summary: MYO7A c.5029C>T (p.Pro1677Ser) results in a non-conservative amino acid change in the encoded protein sequence. Four of five in-silico tools predict a benign effect of the variant on protein function. The variant allele was found at a frequency of 0.00022 in 248230 control chromosomes (gnomAD). To our knowledge, no occurrence of c.5029C>T in individuals affected with MYO7A-Related Disorders and no experimental evidence demonstrating its impact on protein function have been reported. Three ClinVar submitters (evaluation after 2014) cite this variant as uncertain significance (n=2) and likely benign (n=1). Based on the evidence outlined above, the variant was classified as uncertain significance.

GeneDx
Classification: Uncertain significance. Last evaluated: 2022-03-02. Review status: criteria provided, single submitter. Criteria: GeneDx Variant Classification Process June 2021. Collection method: clinical testing. Allele origin: germline. Affected: yes.
Comment: In silico analysis supports that this missense variant does not alter protein structure/function; Has not been previously published as pathogenic or benign to our knowledge

Blueprint Genetics
Classification: Likely benign. Last evaluated: 2022-02-01. Review status: criteria provided, single submitter. Criteria: ACMG Guidelines, 2015. Collection method: clinical testing. Allele origin: germline.

PreventionGenetics, part of Exact Sciences
Classification: Likely benign for MYO7A-related condition. Last evaluated: 2023-09-13. Review status: no assertion criteria provided. Collection method: clinical testing. Allele origin: germline. Not counted in ClinVar's aggregate classification.
Comment: This variant is classified as likely benign based on ACMG/AMP sequence variant interpretation guidelines (Richards et al. 2015 PMID: 25741868, with internal and published modifications).

Natera, Inc.
Classification: Uncertain significance for Usher syndrome type 1B. Last evaluated: 2020-01-24. Review status: no assertion criteria provided. Collection method: clinical testing. Allele origin: germline. Not counted in ClinVar's aggregate classification.